The following is an entry in ClinVar:

ClinVar aggregate classification (germline): Likely benign (1 of 4 stars; one submission).

Conditions:
TAFAZZIN-related disorder. Also called: TAFAZZIN-Related Disorders; TAFAZZIN-related condition.

gnomAD v4.1: 23 of 1,188,361 alleles (0.0019%); highest among the groups gnomAD compares: African/African-American, 0.034%; no homozygotes.

Submission:

PreventionGenetics, part of Exact Sciences
Classification: Likely benign for TAFAZZIN-related condition. Last evaluated: 2025-05-14. Review status: criteria provided, single submitter. Criteria: ACMG Guidelines, 2015. Collection method: clinical testing. Allele origin: germline.
Comment: This variant is classified as likely benign based on ACMG/AMP sequence variant interpretation guidelines (Richards et al. 2015 PMID: 25741868, with internal and published modifications).

NM_000116.5(TAFAZZIN):c.778-56G>A

Gene: TAFAZZIN (tafazzin, phospholipid-lysophospholipid transacylase; plus strand). Cytogenetic location: Xq28.
Variant type: single nucleotide variant.
Coding change: c.778-56G>A on transcript NM_000116.5 (MANE Select); 56 bases into the intron before coding-DNA position 778, G replaced by A.
Molecular consequence: intron variant.
Genome position (GRCh38, 1-based): chrX:154,420,847, G>A. VCF-style: chrX-154420847-G-A. GRCh37 (hg19) VCF-style: chrX-153649186-G-A.
Other names: c.832-56G>A (NM_001440856.1); c.790-56G>A (NM_001303465.2); c.742-56G>A (NM_001410698.1); c.700-56G>A (NM_001440857.1); c.736-56G>A (NM_181312.4); c.688-56G>A (NM_181311.4); c.646-56G>A (NM_181313.4); c.565-56G>A (NM_001440858.1).
Identifiers: ClinVar variation 4989679 (VCV004989679.1).